The following is an entry in ClinVar:

NM_003307.4(TRPM2):c.3356C>T (p.Ala1119Val)

Genes: TRPM2 (transient receptor potential cation channel subfamily M member 2; plus strand), TRPM2-AS (TRPM2 antisense RNA; minus strand). Cytogenetic location: 21q22.3.
Variant type: single nucleotide variant.
Coding change: c.3356C>T on transcript NM_003307.4 (MANE Select); coding-DNA position 3356, C replaced by T.
Protein change: p.Ala1119Val; replaces alanine 1119 with valine.
Molecular consequence: missense variant. On other transcripts: non-coding transcript variant (1).
Genome position (GRCh38, 1-based): chr21:44,418,450, C>T. VCF-style: chr21-44418450-C-T. GRCh37 (hg19) VCF-style: chr21-45838333-C-T.
Other names: c.3356C>T, p.Ala1119Val (NM_001320350.2, NM_001320351.2); short protein forms A1119V.
Identifiers: ClinVar variation 3770637 (VCV003770637.13).

ClinVar aggregate classification (germline): Likely benign (1 of 4 stars; one submission).

gnomAD v4.1: 1,180 of 1,613,968 alleles (0.073%); highest among the groups gnomAD compares: Non-Finnish European, 0.091%; no homozygotes.

Submission:

CeGaT Center for Human Genetics Tuebingen
Classification: Likely benign. Last evaluated: 2025-02-01. Review status: criteria provided, single submitter. Criteria: CeGaT Center For Human Genetics Tuebingen Variant Classification Criteria Version 2. Collection method: clinical testing. Allele origin: germline. Affected: yes. Observed: 1 variant allele.
Comment: TRPM2: BP4